The following is an entry in ClinVar:

NM_000503.6(EYA1):c.1719G>T (p.Arg573Ser)

Gene: EYA1 (EYA transcriptional coactivator and phosphatase 1; minus strand). Cytogenetic location: 8q13.3.
Variant type: single nucleotide variant.
Coding change: c.1719G>T on transcript NM_000503.6 (MANE Select); coding-DNA position 1719, G replaced by T.
Protein change: p.Arg573Ser; replaces arginine 573 with serine.
Molecular consequence: missense variant.
Genome position (GRCh38, 1-based): chr8:71,199,400, C>A on the plus strand (G>T on the coding strand, the complement: EYA1 is on the minus strand). VCF-style: chr8-71199400-C-A. GRCh37 (hg19) VCF-style: chr8-72111635-C-A.
Other names: c.1701G>T, p.Arg567Ser (NM_001288574.2, NM_172059.5); c.1353G>T, p.Arg451Ser (NM_001288575.2); c.1806G>T, p.Arg602Ser (NM_001370333.1); c.1719G>T, p.Arg573Ser (NM_001370334.1, NM_001370335.1, NM_172058.4); c.1698G>T, p.Arg566Ser (NM_001370336.1); c.1620G>T, p.Arg540Ser (NM_001411797.1, NM_172060.4); short protein forms R451S, R540S, R566S, R567S, R573S, R602S.
Identifiers: ClinVar variation 3066129 (VCV003066129.1), dbSNP rs2537018163, ClinGen allele CA371273706.

ClinVar aggregate classification (germline): Uncertain significance (1 of 4 stars; one submission).

Conditions:
Branchiootorenal syndrome 1. Also called: Branchio-Oto-Renal Syndrome 1. Identifiers: Orphanet 107, MedGen C4551702, MONDO:0007236, OMIM 113650.

gnomAD v4.1: 1 of 1,613,064 alleles (0.000062%); no homozygotes.

Submission:

MVZ Medizinische Genetik Mainz
Classification: Uncertain significance for Branchiootorenal syndrome 1. Last evaluated: 2022-05-12. Review status: criteria provided, single submitter. Criteria: UK Practice Guidelines For Variant Classification V4 01 2020. Collection method: clinical testing. Allele origin: germline. Inheritance: Autosomal dominant inheritance. Affected: yes. Observed: 1 variant allele.
Comment: ACMG Criteria: PM2_SUP, PP3